The following is an entry in ClinVar:

NM_017541.4(CRYGS):c.336C>T (p.Thr112=)

Gene: CRYGS (crystallin gamma S; minus strand). Cytogenetic location: 3q27.3.
Variant type: single nucleotide variant.
Coding change: c.336C>T on transcript NM_017541.4 (MANE Select); coding-DNA position 336, C replaced by T.
Protein change: p.Thr112=; no amino-acid change (threonine 112 retained).
Molecular consequence: synonymous variant.
Genome position (GRCh38, 1-based): chr3:186,538,897, G>A on the plus strand (C>T on the coding strand, the complement: CRYGS is on the minus strand). VCF-style: chr3-186538897-G-A. GRCh37 (hg19) VCF-style: chr3-186256686-G-A.
Identifiers: ClinVar variation 3035657 (VCV003035657.3), dbSNP rs376653275, ClinGen allele CA2743861.
Genomic context (GRCh38, chr3:186,538,897, plus strand): 5'-CACCTTACAGGAGTGGATCTCTCGCATGTGAAATTGCTCCATGATGGAAGGGCAATCTTC[G>A]GTGGTTTCATACATCTGACCACTAAAATCCCCTTTCTCAAAGATCTGAATCTTATACTGG-3'
Protein context (NP_060011.1, residues 102-122): GDFSGQMYET[Thr112=]EDCPSIMEQF

ClinVar aggregate classification (germline): Likely benign. Review status: criteria provided, single submitter (1 of 4 stars). 2 submissions from 2 submitters: Likely benign (1). 1 of the submissions does not count toward it. Last evaluated 2025-07-09.

Conditions:
CRYGS-related disorder. Also called: CRYGS-related condition.
Cataract 20 multiple types (CTRCT20). Also called: Membranous cataract. Identifiers: Orphanet 91492, MedGen C0524524, MONDO:0007284, OMIM 116100, HP:0010922.

Allele frequency attached by ClinVar (database versions not stated): gnomAD 0.00001; ESP Exome Variant Server 0.00008; TOPMed 0.00009; ExAC 0.00014; 1000 Genomes Project 30x 0.00016; 1000 Genomes Project 0.00020.
gnomAD v4.1: 80 of 1,614,070 alleles (0.005%); highest among the groups gnomAD compares: Middle Eastern, 0.066%; no homozygotes.

Submissions (2):

Labcorp Genetics (formerly Invitae), Labcorp
Classification: Likely benign for Cataract 20 multiple types. Last evaluated: 2025-07-09. Review status: criteria provided, single submitter. Criteria: Invitae Variant Classification Sherloc (09022015). Collection method: clinical testing. Allele origin: germline.

PreventionGenetics, part of Exact Sciences
Classification: Likely benign for CRYGS-related condition. Last evaluated: 2019-08-13. Review status: no assertion criteria provided. Collection method: clinical testing. Allele origin: germline. Not counted in ClinVar's aggregate classification.
Comment: This variant is classified as likely benign based on ACMG/AMP sequence variant interpretation guidelines (Richards et al. 2015 PMID: 25741868, with internal and published modifications).